The following is an entry in ClinVar:

NM_172107.4(KCNQ2):c.1483G>C (p.Ala495Pro)

Gene: KCNQ2 (potassium voltage-gated channel subfamily Q member 2; minus strand). Cytogenetic location: 20q13.33.
Variant type: single nucleotide variant.
Coding change: c.1483G>C on transcript NM_172107.4 (MANE Select); coding-DNA position 1483, G replaced by C.
Protein change: p.Ala495Pro; replaces alanine 495 with proline.
Molecular consequence: missense variant.
Genome position (GRCh38, 1-based): chr20:63,414,945, C>G on the plus strand (G>C on the coding strand, the complement: KCNQ2 is on the minus strand). VCF-style: chr20-63414945-C-G. GRCh37 (hg19) VCF-style: chr20-62046298-C-G.
Other names: c.1483G>C (NM_172107.2); c.1429G>C, p.Ala477Pro (NM_001382235.1, NM_172106.3); c.1399G>C, p.Ala467Pro (NM_004518.6); c.1393G>C, p.Ala465Pro (NM_172108.5); short protein forms A465P, A467P, A477P, A495P.
Identifiers: ClinVar variation 1015967 (VCV001015967.34), dbSNP rs200251507, ClinGen allele CA9958451.

ClinVar aggregate classification (germline): Uncertain significance. Review status: criteria provided, multiple submitters, no conflicts (2 of 4 stars). 3 submissions from 3 submitters: Uncertain significance (3). Last evaluated 2025-04-28.

Conditions:
Early-infantile DEE. Also called: Early infantile epileptic encephalopathy; Early infantile epileptic encephalopathy with suppression bursts; Ohtahara syndrome. Identifiers: Orphanet 1934, MedGen C0393706, MONDO:0800491.

Allele frequency attached by ClinVar (database versions not stated): ExAC 0.00001; gnomAD exomes 0.00001; gnomAD 0.00003; TOPMed 0.00003; 1000 Genomes Project 0.00020; 1000 Genomes Project 30x 0.00031.
gnomAD v4.1: 76 of 1,612,694 alleles (0.0047%); highest among the groups gnomAD compares: Non-Finnish European, 0.0058%; no homozygotes.

Submissions (3):

GeneDx
Classification: Uncertain significance. Last evaluated: 2025-04-28. Review status: criteria provided, single submitter. Criteria: GeneDx Variant Classification Process June 2021. Collection method: clinical testing. Allele origin: germline. Affected: yes.
Comment: In silico analysis supports that this missense variant has a deleterious effect on protein structure/function; Has not been previously published as pathogenic or benign to our knowledge

Labcorp Genetics (formerly Invitae), Labcorp
Classification: Uncertain significance for Early-infantile DEE. Last evaluated: 2023-09-27. Review status: criteria provided, single submitter. Criteria: Invitae Variant Classification Sherloc (09022015). Collection method: clinical testing. Allele origin: germline.
Comment: In summary, the available evidence is currently insufficient to determine the role of this variant in disease. Therefore, it has been classified as a Variant of Uncertain Significance. Advanced modeling of protein sequence and biophysical properties (such as structural, functional, and spatial information, amino acid conservation, physicochemical variation, residue mobility, and thermodynamic stability) performed at Invitae indicates that this missense variant is expected to disrupt KCNQ2 protein function. ClinVar contains an entry for this variant (Variation ID: 1015967). This variant has not been reported in the literature in individuals affected with KCNQ2-related conditions. This variant is present in population databases (rs200251507, gnomAD 0.006%). This sequence change replaces alanine, which is neutral and non-polar, with proline, which is neutral and non-polar, at codon 495 of the KCNQ2 protein (p.Ala495Pro).

CeGaT Center for Human Genetics Tuebingen
Classification: Uncertain significance. Last evaluated: 2022-07-01. Review status: criteria provided, single submitter. Criteria: CeGaT Center For Human Genetics Tuebingen Variant Classification Criteria Version 2. Collection method: clinical testing. Allele origin: germline. Affected: yes. Observed: 1 variant allele.
Comment: KCNQ2: PP2